The following is an entry in ClinVar:

ClinVar aggregate classification (germline): Uncertain significance (1 of 4 stars; one submission).

Submission:

Labcorp Genetics (formerly Invitae), Labcorp
Classification: Uncertain significance. Last evaluated: 2025-09-28. Review status: criteria provided, single submitter. Criteria: Invitae Variant Classification Sherloc (09022015). Collection method: clinical testing. Allele origin: germline.
Comment: This sequence change replaces valine, which is neutral and non-polar, with isoleucine, which is neutral and non-polar, at codon 715 of the AP3D1 protein (p.Val715Ile). This variant is not present in population databases (gnomAD no frequency). This variant has not been reported in the literature in individuals affected with AP3D1-related conditions. ClinVar contains an entry for this variant (Variation ID: 3632134). An algorithm developed to predict the effect of missense changes on protein structure and function (PolyPhen-2) suggests that this variant is likely to be tolerated. In summary, the available evidence is currently insufficient to determine the role of this variant in disease. Therefore, it has been classified as a Variant of Uncertain Significance.

NM_001261826.3(AP3D1):c.2143G>A (p.Val715Ile)

Gene: AP3D1 (adaptor related protein complex 3 subunit delta 1; minus strand). Cytogenetic location: 19p13.3.
Variant type: single nucleotide variant.
Coding change: c.2143G>A on transcript NM_001261826.3 (MANE Select); coding-DNA position 2143, G replaced by A.
Protein change: p.Val715Ile; replaces valine 715 with isoleucine.
Molecular consequence: missense variant.
Genome position (GRCh38, 1-based): chr19:2,115,544, C>T on the plus strand (G>A on the coding strand, the complement: AP3D1 is on the minus strand). VCF-style: chr19-2115544-C-T. GRCh37 (hg19) VCF-style: chr19-2115543-C-T.
Other names: c.2143G>A, p.Val715Ile (NM_001374799.1, NM_003938.8); short protein forms V715I.
Identifiers: ClinVar variation 3632134 (VCV003632134.2).